The following is an entry in ClinVar:

NM_000390.4(CHM):c.1168_1244+1del

Gene: CHM (CHM Rab escort protein; minus strand). Cytogenetic location: Xq21.2.
Variant type: Deletion.
Coding change: c.1168_1244+1del on transcript NM_000390.4 (MANE Select); coding-DNA position 1168 through the canonical splice donor site of the intron after coding-DNA position 1244, 78 bases deleted.
Molecular consequence: splice donor variant.
Genome position (GRCh38, 1-based): chrX:85,911,260-85,911,337, 78 bases deleted. GRCh37 (hg19): chrX:85,166,266-85,166,343.
Other names: NC_000023.10:g.85166266_85166343del; NP_000381.1:p.(Met390_Leu415del); c.724_800+1del (NM_001362519.1, NM_001362517.1, NM_001320959.1 and 1 more transcripts).
Identifiers: ClinVar variation 2577505 (VCV002577505.2), dbSNP rs2520131629, ClinGen allele CA2580617415.

ClinVar aggregate classification (germline): Likely pathogenic (1 of 4 stars; one submission).

Conditions:
Choroideremia. Also called: Chorioretinal scalloped atrophy. Identifiers: Orphanet 180, MedGen C0008525, MONDO:0010557, OMIM 303100, HP:0001139.

Submission:

Ophthalmic Genetics Group, Institute of Molecular and Clinical Ophthalmology Basel
Classification: Likely pathogenic for Choroideremia. Last evaluated: 2023-07-24. Review status: criteria provided, single submitter. Criteria: ACMG Guidelines, 2015. Collection method: research. Allele origin: germline. Affected: yes. Observed: 1 variant allele.
Comment: Clinical significance based on ACMG v2.0

Literature cited by the submitters: PubMed 36909829.